The following is an entry in ClinVar:

NM_000257.4(MYH7):c.1013T>C (p.Val338Ala)

Gene: MYH7 (myosin heavy chain 7; minus strand). Cytogenetic location: 14q11.2.
Variant type: single nucleotide variant.
Coding change: c.1013T>C on transcript NM_000257.4 (MANE Select); coding-DNA position 1013, T replaced by C.
Protein change: p.Val338Ala; replaces valine 338 with alanine.
Molecular consequence: missense variant.
Genome position (GRCh38, 1-based): chr14:23,429,900, A>G on the plus strand (T>C on the coding strand, the complement: MYH7 is on the minus strand). VCF-style: chr14-23429900-A-G. GRCh37 (hg19) VCF-style: chr14-23899109-A-G.
Other names: NM_000257.4(MYH7):c.1013T>C; short protein forms V338A.
Identifiers: ClinVar variation 42818 (VCV000042818.15), dbSNP rs397516087, ClinGen allele CA010070.

ClinVar aggregate classification (germline): Uncertain significance. Review status: reviewed by expert panel (3 of 4 stars). 6 submissions from 6 submitters: Uncertain significance (1). 5 of the submissions do not count toward it. Last evaluated 2021-03-22.

Conditions:
Hypertrophic cardiomyopathy 1 (CMH1). Also called: MYH7-Related Familial Hypertrophic Cardiomyopathy; Familial hypertrophic cardiomyopathy 1. Identifiers: MedGen C3495498, MONDO:0008647, OMIM 192600.
Hypertrophic cardiomyopathy. Also called: HYPERTROPHIC MYOCARDIOPATHY. Identifiers: Orphanet 217569, MedGen C0007194, MeSH D002312, MONDO:0005045, HP:0001639.

Submissions (6):

ClinGen Cardiomyopathy Variant Curation Expert Panel
Classification: Uncertain significance for Hypertrophic cardiomyopathy. Last evaluated: 2021-03-22. Review status: reviewed by expert panel. Criteria: ClinGen CMP ACMG Specifications v1. Collection method: curation. Allele origin: germline. Inheritance: Autosomal dominant inheritance.
Comment: The c.1013T>C (p.Val338Ala) variant in MYH7 has been identified in 4 individuals with HCM (PS4_Supporting; Homburger 2016 PMID:27247418; Walsh 2017 PMID:27532257; Centenary Institute Sydney pers. comm.; GeneDx pers. comm.; Invitae pers. comm.; LMM pers. comm.). This variant was absent from large population studies (PM2;, v2.1.1). This variant lies in the head region of the protein (aa 181-937) and missense variants in this region are statistically more likely to be disease-associated (PM1; Walsh 2017 PMID:27532257). Computational prediction tools and conservation analysis were mixed about the potential impact of this variant. In summary, due to insufficient evidence, this variant is classified as uncertain significance for hypertrophic cardiomyopathy in an autosomal dominant manner. MYH7-specific ACMG/AMP criteria applied (Kelly 2018 PMID:29300372): PS4_Supporting; PM2; PM1

Labcorp Genetics (formerly Invitae), Labcorp
Classification: Likely pathogenic for Hypertrophic cardiomyopathy. Last evaluated: 2025-12-02. Review status: criteria provided, single submitter. Criteria: Invitae Variant Classification Sherloc (09022015). Collection method: clinical testing. Allele origin: germline. Not counted in ClinVar's aggregate classification.
Comment: This sequence change replaces valine, which is neutral and non-polar, with alanine, which is neutral and non-polar, at codon 338 of the MYH7 protein (p.Val338Ala). This variant is not present in population databases (gnomAD no frequency). This missense change has been observed in individual(s) with hypertrophic cardiomyopathy (PMID: 27247418, 27532257, 37652022; internal data). ClinVar contains an entry for this variant (Variation ID: 42818). Invitae Evidence Modeling of protein sequence and biophysical properties (such as structural, functional, and spatial information, amino acid conservation, physicochemical variation, residue mobility, and thermodynamic stability) indicates that this missense variant is expected to disrupt MYH7 protein function with a positive predictive value of 95%. This variant is found within a region of MYH7 between codons 181 and 937 that contains the majority of the myosin head domain. Missense variants in this region have been shown to be significantly overrepresented in individuals with hypertrophic cardiomyopathy (PMID: 27532257). In summary, the currently available evidence indicates that the variant is pathogenic, but additional data are needed to prove that conclusively. Therefore, this variant has been classified as Likely Pathogenic.

3billion
Classification: Uncertain significance for Hypertrophic cardiomyopathy 1. Last evaluated: 2025-09-17. Review status: criteria provided, single submitter. Criteria: ACMG Guidelines, 2015. Collection method: clinical testing. Allele origin: germline. Affected: yes. Not counted in ClinVar's aggregate classification.
Comment: The variant is not observed in the gnomAD v4.1.0 dataset. Predicted Consequence/Location: The variant is located in a mutational hot spot and/or well-established functional domain in which established pathogenic variants have been reported (PMID: 29300372). In silico tool predictions suggest damaging effect of the variant on gene or gene product [REVEL: 0.80 (>=0.6, sensitivity 0.68 and specificity 0.92); 3Cnet: 0.99 (> 0.75, sensitivity 0.96 and precision 0.92)]. The same nucleotide change resulting in the same amino acid change has been previously reported to be associated with MYH7-related disorder (ClinVar ID: VCV000042818 /PMID: 20474083). A different missense change at the same codon (p.Val338Met) has been reported as pathogenic/likely pathogenic with strong evidence (ClinVar ID: VCV000164381). However, the evidence of pathogenicity is insufficient at this time. Therefore, this variant is classified as VUS according to the recommendation of ACMG/AMP guideline.

Blueprint Genetics
Classification: Uncertain significance. Last evaluated: 2024-07-02. Review status: criteria provided, single submitter. Criteria: ACMG Guidelines, 2015. Collection method: clinical testing. Allele origin: germline. Not counted in ClinVar's aggregate classification.

Laboratory of Genetics and Molecular Cardiology, University of São Paulo
Classification: Likely pathogenic for Hypertrophic cardiomyopathy 1. Review status: criteria provided, single submitter. Criteria: LGCM Criteria August 2015. Collection method: clinical testing. Allele origin: germline. Inheritance: Autosomal dominant inheritance. Affected: yes. Observed: 1 variant allele. Study: Sarcomeric Human Cardiomyopathy Registry (ShaRe). Not counted in ClinVar's aggregate classification.

Laboratory for Molecular Medicine, Mass General Brigham Personalized Medicine
Classification: Uncertain significance. Last evaluated: 2008-03-01. Review status: no assertion criteria provided. Collection method: clinical testing. Allele origin: germline. Observed: 1 variant allele. Not counted in ClinVar's aggregate classification.

Literature cited by the submitters: PubMed 27247418 (cited by Labcorp Genetics (formerly Invitae), Labcorp); PubMed 27532257 (cited by Labcorp Genetics (formerly Invitae), Labcorp); PubMed 37652022 (cited by Labcorp Genetics (formerly Invitae), Labcorp); PubMed 20474083 (cited by 3billion).